The following is an entry in ClinVar:

NM_033004.4(NLRP1):c.1877T>C (p.Phe626Ser)

Gene: NLRP1 (NLR family pyrin domain containing 1; minus strand). Cytogenetic location: 17p13.2.
Variant type: single nucleotide variant.
Coding change: c.1877T>C on transcript NM_033004.4 (MANE Select); coding-DNA position 1877, T replaced by C.
Protein change: p.Phe626Ser; replaces phenylalanine 626 with serine.
Molecular consequence: missense variant.
Genome position (GRCh38, 1-based): chr17:5,558,819, A>G on the plus strand (T>C on the coding strand, the complement: NLRP1 is on the minus strand). VCF-style: chr17-5558819-A-G. GRCh37 (hg19) VCF-style: chr17-5462139-A-G.
Other names: c.1877T>C, p.Phe626Ser (NM_001033053.3, NM_014922.5, NM_033006.4 and 1 more transcripts); short protein forms F626S.
Identifiers: ClinVar variation 2872503 (VCV002872503.3), dbSNP rs1241421772, ClinGen allele CA397384301.

ClinVar aggregate classification (germline): Uncertain significance (1 of 4 stars; one submission).

Allele frequency attached by ClinVar (database versions not stated): gnomAD 0.00001; gnomAD exomes 0.00001; TOPMed 0.00001.
gnomAD v4.1: 19 of 1,614,112 alleles (0.0012%); highest among the groups gnomAD compares: Non-Finnish European, 0.0015%; no homozygotes.

Submission:

Labcorp Genetics (formerly Invitae), Labcorp
Classification: Uncertain significance. Last evaluated: 2023-08-02. Review status: criteria provided, single submitter. Criteria: Invitae Variant Classification Sherloc (09022015). Collection method: clinical testing. Allele origin: germline.
Comment: In summary, the available evidence is currently insufficient to determine the role of this variant in disease. Therefore, it has been classified as a Variant of Uncertain Significance. An algorithm developed to predict the effect of missense changes on protein structure and function (PolyPhen-2) suggests that this variant is likely to be disruptive. This variant has not been reported in the literature in individuals affected with NLRP1-related conditions. This variant is present in population databases (no rsID available, gnomAD 0.002%). This sequence change replaces phenylalanine, which is neutral and non-polar, with serine, which is neutral and polar, at codon 626 of the NLRP1 protein (p.Phe626Ser).